The following is an entry in ClinVar:

ClinVar aggregate classification (germline): Uncertain significance. Review status: criteria provided, multiple submitters, no conflicts (2 of 4 stars). 2 submissions from 2 submitters: Uncertain significance (2). Last evaluated 2024-03-06.

Conditions:
Hereditary cancer-predisposing syndrome. Also called: Hereditary neoplastic syndrome; Neoplastic Syndromes, Hereditary; Tumor predisposition; Hereditary Cancer Syndrome. Identifiers: Orphanet 140162, MedGen C0027672, MeSH D009386, MONDO:0015356.
Rhabdoid tumor predisposition syndrome 2 (RTPS2). Identifiers: Orphanet 231108, Orphanet 69077, MedGen C2750074, MONDO:0013224, OMIM 613325.

Submissions (2):

Labcorp Genetics (formerly Invitae), Labcorp
Classification: Uncertain significance for Rhabdoid tumor predisposition syndrome 2. Last evaluated: 2024-03-06. Review status: criteria provided, single submitter. Criteria: Invitae Variant Classification Sherloc (09022015). Collection method: clinical testing. Allele origin: germline.
Comment: This sequence change replaces arginine, which is basic and polar, with cysteine, which is neutral and slightly polar, at codon 448 of the SMARCA4 protein (p.Arg448Cys). This variant is not present in population databases (gnomAD no frequency). This variant has not been reported in the literature in individuals affected with SMARCA4-related conditions. ClinVar contains an entry for this variant (Variation ID: 948803). Advanced modeling of protein sequence and biophysical properties (such as structural, functional, and spatial information, amino acid conservation, physicochemical variation, residue mobility, and thermodynamic stability) has been performed at Invitae for this missense variant, however the output from this modeling did not meet the statistical confidence thresholds required to predict the impact of this variant on SMARCA4 protein function. In summary, the available evidence is currently insufficient to determine the role of this variant in disease. Therefore, it has been classified as a Variant of Uncertain Significance.

Ambry Genetics
Classification: Uncertain significance for Hereditary cancer-predisposing syndrome. Last evaluated: 2024-01-17. Review status: criteria provided, single submitter. Criteria: Ambry Variant Classification Scheme 2023. Collection method: clinical testing. Allele origin: germline.
Comment: The p.R448C variant (also known as c.1342C>T), located in coding exon 7 of the SMARCA4 gene, results from a C to T substitution at nucleotide position 1342. The arginine at codon 448 is replaced by cysteine, an amino acid with highly dissimilar properties. This amino acid position is highly conserved in available vertebrate species. In addition, the in silico prediction for this alteration is inconclusive. Since supporting evidence is limited at this time, the clinical significance of this alteration remains unclear.

NM_003072.5(SMARCA4):c.1342C>T (p.Arg448Cys)

Gene: SMARCA4 (SWI/SNF related BAF chromatin remodeling complex subunit ATPase 4; plus strand). Cytogenetic location: 19p13.2.
Variant type: single nucleotide variant.
Coding change: c.1342C>T on transcript NM_003072.5 (MANE Select); coding-DNA position 1342, C replaced by T.
Protein change: p.Arg448Cys; replaces arginine 448 with cysteine.
Molecular consequence: missense variant. On other transcripts: non-coding transcript variant (1).
Genome position (GRCh38, 1-based): chr19:10,991,246, C>T. VCF-style: chr19-10991246-C-T. GRCh37 (hg19) VCF-style: chr19-11101922-C-T.
Other names: c.1342C>T, p.Arg448Cys (NM_001128844.3, NM_001128845.2, NM_001128846.2 and 4 more transcripts); short protein forms R448C.
Identifiers: ClinVar variation 948803 (VCV000948803.12), dbSNP rs2086533643, ClinGen allele CA404060845.
Genomic context (GRCh38, chr19:10,991,246, plus strand): 5'-ACAGCGCTGGAGACAGCCCTCAATGCTAAGGCCTACAAGCGCAGCAAGCGCCAGTCCCTG[C>T]GCGAGGCCCGCATCACTGAGAAGCTGGAGAAGCAGCAGAAGATCGAGCAGGAGCGCAAGC-3'
Protein context (NP_003063.2, residues 438-458): AYKRSKRQSL[Arg448Cys]EARITEKLEK